The following is an entry in ClinVar:

ClinVar aggregate classification (germline): Uncertain significance. Review status: criteria provided, multiple submitters, no conflicts (2 of 4 stars). 8 submissions from 4 submitters: Uncertain significance (8). Last evaluated 2026-07-29.

Conditions:
TTN-related disorder. Also called: TTN-related condition; TTN-related disease; TTN-related disorders.
Cardiovascular phenotype. Identifiers: MedGen CN230736.
Myopathy, myofibrillar, 9, with early respiratory failure (MFM9). Also called: EDSTROM MYOPATHY; Myopathy, distal, with early respiratory failure, autosomal dominant; Hereditary myopathy with early respiratory failure; MYOPATHY, PROXIMAL, WITH EARLY RESPIRATORY MUSCLE INVOLVEMENT. Identifiers: Orphanet 178464, Orphanet 34521, MedGen C1863599, MONDO:0011362, OMIM 603689.
Tibial muscular dystrophy (TMD). Also called: Tibial muscular dystrophy, tardive; UDD MYOPATHY; Udd Distal Myopathy – Tibial Muscular Dystrophy. Identifiers: Orphanet 609, MedGen C1838244, MONDO:0010870, OMIM 600334.
Autosomal recessive limb-girdle muscular dystrophy type 2J (LGMDR10). Also called: Limb-girdle muscular dystrophy, type 2J; MUSCULAR DYSTROPHY, LIMB-GIRDLE, AUTOSOMAL RECESSIVE 10. Identifiers: Orphanet 140922, MedGen C1837342, MONDO:0012127, OMIM 608807.
Dilated cardiomyopathy 1G (CMD1G). Identifiers: Orphanet 154, MedGen C1858763, MONDO:0011400, OMIM 604145.
Early-onset myopathy with fatal cardiomyopathy (CMYO5). Also called: Salih Myopathy; CONGENITAL MYOPATHY 5 WITH CARDIOMYOPATHY. Identifiers: Orphanet 289377, MedGen C2673677, MONDO:0012714, OMIM 611705. Disease mechanism: loss of function.

Allele frequency attached by ClinVar (database versions not stated): ExAC 0.00001; gnomAD exomes 0.00002; TOPMed 0.00003; gnomAD 0.00004.
gnomAD v4.1: 30 of 1,613,702 alleles (0.0019%); highest among the groups gnomAD compares: Non-Finnish European, 0.0021%; no homozygotes.

Submissions (8):

PreventionGenetics, part of Exact Sciences
Classification: Uncertain significance for TTN-related condition. Last evaluated: 2026-07-29. Review status: criteria provided, single submitter. Criteria: ACMG Guidelines, 2015. Collection method: clinical testing. Allele origin: germline.
Comment: The TTN c.89309T>C variant is predicted to result in the amino acid substitution p.Val29770Ala. This variant has been reported as a variant of uncertain significance in an individual with catecholaminergic polymorphic ventricular tachycardia (described as p.Val27202Ala in Table S4, Mademont-Soler et al. 2017. PubMed ID: 28771489). This variant is reported in 0.010% of alleles in individuals of Ashkenazi Jewish descent in gnomAD. At this time, the clinical significance of this variant is uncertain due to the absence of conclusive functional and genetic evidence.

Ambry Genetics
Classification: Uncertain significance for Cardiovascular phenotype. Last evaluated: 2020-09-21. Review status: criteria provided, single submitter. Criteria: Ambry Variant Classification Scheme 2023. Collection method: clinical testing. Allele origin: germline.
Comment: The p.V20705A variant (also known as c.62114T>C), located in coding exon 161 of the TTN gene, results from a T to C substitution at nucleotide position 62114. The valine at codon 20705 is replaced by alanine, an amino acid with similar properties. This variant (referred to as c.81605T>C, p.V27202A) has been detected in an individual reported to have catecholaminergic polymorphic ventricular tachycardia, but not structural heart disease; however, details were limited (Mademont-Soler I et al. PLoS ONE, 2017 Aug;12:e0181465). This amino acid position is not well conserved in available vertebrate species, and alanine is the reference amino acid in other vertebrate species. In addition, this alteration is predicted to be tolerated by in silico analysis. Since supporting evidence is limited at this time, the clinical significance of this alteration remains unclear.

Eurofins Ntd Llc (ga)
Classification: Uncertain significance. Last evaluated: 2018-03-09. Review status: criteria provided, single submitter. Criteria: EGL ClinVar v180209 classification definitions. Collection method: clinical testing. Allele origin: germline. Observed: 2 variant alleles, 2 heterozygotes.

Illumina Laboratory Services, Illumina
Classification: Uncertain significance for Early-onset myopathy with fatal cardiomyopathy. Last evaluated: 2018-01-12. Review status: criteria provided, single submitter. Criteria: ICSL Variant Classification Criteria 13 December 2019. Collection method: clinical testing. Allele origin: germline.

Illumina Laboratory Services, Illumina
Classification: Uncertain significance for Tibial muscular dystrophy. Last evaluated: 2018-01-12. Review status: criteria provided, single submitter. Criteria: ICSL Variant Classification Criteria 13 December 2019. Collection method: clinical testing. Allele origin: germline.

Illumina Laboratory Services, Illumina
Classification: Uncertain significance for Myopathy, myofibrillar, 9, with early respiratory failure. Last evaluated: 2018-01-12. Review status: criteria provided, single submitter. Criteria: ICSL Variant Classification Criteria 13 December 2019. Collection method: clinical testing. Allele origin: germline.

Illumina Laboratory Services, Illumina
Classification: Uncertain significance for Autosomal recessive limb-girdle muscular dystrophy type 2J. Last evaluated: 2018-01-12. Review status: criteria provided, single submitter. Criteria: ICSL Variant Classification Criteria 13 December 2019. Collection method: clinical testing. Allele origin: germline.

Illumina Laboratory Services, Illumina
Classification: Uncertain significance for Dilated cardiomyopathy 1G. Last evaluated: 2018-01-12. Review status: criteria provided, single submitter. Criteria: ICSL Variant Classification Criteria 13 December 2019. Collection method: clinical testing. Allele origin: germline.

Literature cited by the submitters: PubMed 28771489 (cited by Ambry Genetics).

NM_001267550.2(TTN):c.89309T>C (p.Val29770Ala)

Genes: TTN (titin; minus strand), TTN-AS1 (TTN antisense RNA 1; plus strand). Cytogenetic location: 2q31.2.
Variant type: single nucleotide variant.
Coding change: c.89309T>C on transcript NM_001267550.2 (MANE Select); coding-DNA position 89309, T replaced by C.
Protein change: p.Val29770Ala; replaces valine 29770 with alanine.
Molecular consequence: missense variant.
Genome position (GRCh38, 1-based): chr2:178,553,696, A>G on the plus strand (T>C on the coding strand, the complement: TTN is on the minus strand). VCF-style: chr2-178553696-A-G. GRCh37 (hg19) VCF-style: chr2-179418423-A-G.
Other names: c.84386T>C, p.Val28129Ala (NM_001256850.1); c.62114T>C, p.Val20705Ala (NM_003319.4); c.81605T>C, p.Val27202Ala (NM_133378.4); c.62489T>C, p.Val20830Ala (NM_133432.3); c.62690T>C, p.Val20897Ala (NM_133437.4); short protein forms V27202A, V29770A, V20897A, V20705A, V20830A, V28129A.
Identifiers: ClinVar variation 500610 (VCV000500610.12), dbSNP rs755018367, ClinGen allele CA1987945.